The following is an entry in ClinVar:

ClinVar aggregate classification (germline): Uncertain significance (1 of 4 stars; one submission).

Submission:

CeGaT Center for Human Genetics Tuebingen
Classification: Uncertain significance. Last evaluated: 2024-09-01. Review status: criteria provided, single submitter. Criteria: CeGaT Center For Human Genetics Tuebingen Variant Classification Criteria Version 2. Collection method: clinical testing. Allele origin: germline. Affected: yes. Observed: 1 variant allele.
Comment: KMT2A: PM2

NM_001197104.2(KMT2A):c.8969G>A (p.Gly2990Asp)

Gene: KMT2A (lysine methyltransferase 2A; plus strand). Cytogenetic location: 11q23.3.
Variant type: single nucleotide variant.
Coding change: c.8969G>A on transcript NM_001197104.2 (MANE Select); coding-DNA position 8969, G replaced by A.
Protein change: p.Gly2990Asp; replaces glycine 2990 with aspartic acid.
Molecular consequence: missense variant.
Genome position (GRCh38, 1-based): chr11:118,504,861, G>A. VCF-style: chr11-118504861-G-A. GRCh37 (hg19) VCF-style: chr11-118375576-G-A.
Other names: c.9059G>A, p.Gly3020Asp (NM_001412597.1); c.8960G>A, p.Gly2987Asp (NM_005933.4); short protein forms G2987D, G2990D, G3020D.
Identifiers: ClinVar variation 3389439 (VCV003389439.14).
Genomic context (GRCh38, chr11:118,504,861, plus strand): 5'-TAGCCTCCTCTGAAAGTGACCCAGCACTGCTGAGCCCAGGAGTAGATCCAACTCCTGAAG[G>A]CCACATGACTCCTGATCATTTTATCCAAGGACACATGGATGCAGACCACATCTCTAGCCC-3'
Protein context (NP_001184033.1, residues 2980-3000): LSPGVDPTPE[Gly2990Asp]HMTPDHFIQG